The following is an entry in ClinVar:

ClinVar aggregate classification (germline): Uncertain significance. Review status: criteria provided, multiple submitters, no conflicts (2 of 4 stars). 2 submissions from 2 submitters: Uncertain significance (2). Last evaluated 2025-01-28.

Conditions:
Inborn genetic diseases. Identifiers: MedGen C0950123, MeSH D030342.
Mosaic variegated aneuploidy syndrome 2 (MVA2). Identifiers: Orphanet 1052, MedGen C3279843, MONDO:0013582, OMIM 614114.

Allele frequency attached by ClinVar (database versions not stated): TOPMed below 0.00001; gnomAD exomes 0.00001.
gnomAD v4.1: 6 of 1,613,996 alleles (0.00037%); highest among the groups gnomAD compares: Admixed American, 0.01%; no homozygotes.

Submissions (2):

Labcorp Genetics (formerly Invitae), Labcorp
Classification: Uncertain significance for Mosaic variegated aneuploidy syndrome 2. Last evaluated: 2025-01-28. Review status: criteria provided, single submitter. Criteria: Invitae Variant Classification Sherloc (09022015). Collection method: clinical testing. Allele origin: germline.
Comment: This sequence change replaces serine, which is neutral and polar, with asparagine, which is neutral and polar, at codon 64 of the CEP57 protein (p.Ser64Asn). This variant is present in population databases (no rsID available, gnomAD 0.009%). This variant has not been reported in the literature in individuals affected with CEP57-related conditions. ClinVar contains an entry for this variant (Variation ID: 2155856). Invitae Evidence Modeling of protein sequence and biophysical properties (such as structural, functional, and spatial information, amino acid conservation, physicochemical variation, residue mobility, and thermodynamic stability) indicates that this missense variant is not expected to disrupt CEP57 protein function with a negative predictive value of 80%. In summary, the available evidence is currently insufficient to determine the role of this variant in disease. Therefore, it has been classified as a Variant of Uncertain Significance.

Ambry Genetics
Classification: Uncertain significance for Inborn genetic diseases. Last evaluated: 2025-01-25. Review status: criteria provided, single submitter. Criteria: Ambry Variant Classification Scheme 2023. Collection method: clinical testing. Allele origin: germline.
Comment: The p.S64N variant (also known as c.191G>A), located in coding exon 2 of the CEP57 gene, results from a G to A substitution at nucleotide position 191. The serine at codon 64 is replaced by asparagine, an amino acid with highly similar properties. This amino acid position is conserved. In addition, this alteration is predicted to be tolerated by in silico analysis. Based on the available evidence, the clinical significance of this variant remains unclear.

NM_014679.5(CEP57):c.191G>A (p.Ser64Asn)

Gene: CEP57 (centrosomal protein 57; plus strand). Cytogenetic location: 11q21.
Variant type: single nucleotide variant.
Coding change: c.191G>A on transcript NM_014679.5 (MANE Select); coding-DNA position 191, G replaced by A.
Protein change: p.Ser64Asn; replaces serine 64 with asparagine.
Molecular consequence: missense variant.
Genome position (GRCh38, 1-based): chr11:95,799,377, G>A. VCF-style: chr11-95799377-G-A. GRCh37 (hg19) VCF-style: chr11-95532541-G-A.
Other names: c.164G>A, p.Ser55Asn (NM_001243776.2); c.191G>A, p.Ser64Asn (NM_001243777.2); c.110G>A, p.Ser37Asn (NM_001363604.2); c.191G>A (NM_014679.4); short protein forms S37N, S55N, S64N.
Identifiers: ClinVar variation 2155856 (VCV002155856.6), dbSNP rs913652706, ClinGen allele CA226616906.